The following is an entry in ClinVar:

ClinVar aggregate classification (germline): Likely benign. Review status: criteria provided, multiple submitters, no conflicts (2 of 4 stars). 5 submissions from 5 submitters: Likely benign (5). Last evaluated 2026-04-01.

Conditions:
Inborn genetic diseases. Identifiers: MedGen C0950123, MeSH D030342.
Dyskeratosis congenita, autosomal dominant 6 (DKCA6). Identifiers: Orphanet 3322, MedGen C4225284, MONDO:0014690, OMIM 616553.

Allele frequency attached by ClinVar (database versions not stated): gnomAD exomes 0.00003 and 0.00010; ExAC 0.00008; gnomAD 0.00017 and 0.00019; TOPMed 0.00019; ESP Exome Variant Server 0.00031; 1000 Genomes Project 0.00040; 1000 Genomes Project 30x 0.00062.
gnomAD v4.1: 73 of 1,546,650 alleles (0.0047%); highest among the groups gnomAD compares: African/African-American, 0.06%; no homozygotes.

Submissions (5):

CeGaT Center for Human Genetics Tuebingen
Classification: Likely benign. Last evaluated: 2026-04-01. Review status: criteria provided, single submitter. Criteria: CeGaT Center For Human Genetics Tuebingen Variant Classification Criteria Version 2. Collection method: clinical testing. Allele origin: germline. Affected: yes. Observed: 1 variant allele.
Comment: ACD: BP4, BP7

Labcorp Genetics (formerly Invitae), Labcorp
Classification: Likely benign for Dyskeratosis congenita, autosomal dominant 6. Last evaluated: 2025-11-17. Review status: criteria provided, single submitter. Criteria: Invitae Variant Classification Sherloc (09022015). Collection method: clinical testing. Allele origin: germline.

Blueprint Genetics
Classification: Likely benign. Last evaluated: 2023-04-14. Review status: criteria provided, single submitter. Criteria: ACMG Guidelines, 2015. Collection method: clinical testing. Allele origin: germline.

Ambry Genetics
Classification: Likely benign for Inborn genetic diseases. Last evaluated: 2022-02-12. Review status: criteria provided, single submitter. Criteria: Ambry Variant Classification Scheme 2023. Collection method: clinical testing. Allele origin: germline.

Genetic Services Laboratory, University of Chicago
Classification: Likely benign. Last evaluated: 2021-04-06. Review status: criteria provided, single submitter. Criteria: ACMG Guidelines, 2015. Collection method: clinical testing. Allele origin: germline. Affected: no.

NM_001082486.2(ACD):c.1152G>A (p.Pro384=)

Gene: ACD (ACD shelterin complex subunit and telomerase recruitment factor; minus strand). Cytogenetic location: 16q22.1.
Variant type: single nucleotide variant.
Coding change: c.1152G>A on transcript NM_001082486.2 (MANE Select); coding-DNA position 1152, G replaced by A.
Protein change: p.Pro384=; no amino-acid change (proline 384 retained).
Molecular consequence: synonymous variant.
Genome position (GRCh38, 1-based): chr16:67,658,040, C>T on the plus strand (G>A on the coding strand, the complement: ACD is on the minus strand). VCF-style: chr16-67658040-C-T. GRCh37 (hg19) VCF-style: chr16-67691943-C-T.
Other names: c.1410G>A (NM_001082486.1); c.1143G>A, p.Pro381= (NM_022914.3).
Identifiers: ClinVar variation 1088094 (VCV001088094.17), dbSNP rs147116458, ClinGen allele CA8114430.